The following is an entry in ClinVar:

ClinVar aggregate classification (germline): Benign/Likely benign. Review status: criteria provided, multiple submitters, no conflicts (2 of 4 stars). 3 submissions from 3 submitters: Benign (1); Likely benign (2). Last evaluated 2026-01-20.

Conditions:
Hereditary cancer-predisposing syndrome. Also called: Hereditary neoplastic syndrome; Tumor predisposition; Neoplastic Syndromes, Hereditary; Hereditary Cancer Syndrome. Identifiers: Orphanet 140162, MedGen C0027672, MeSH D009386, MONDO:0015356.
Juvenile polyposis syndrome (JPS). Identifiers: Orphanet 2929, MedGen C0345893, MONDO:0017380, OMIM 174900.

gnomAD v4.1: 1 of 1,614,162 alleles (0.000062%); highest among the groups gnomAD compares: Admixed American, 0.0017%; no homozygotes.

Submissions (3):

Ambry Genetics
Classification: Likely benign for Hereditary cancer-predisposing syndrome. Last evaluated: 2026-01-20. Review status: criteria provided, single submitter. Criteria: Ambry Variant Classification Scheme 2023. Collection method: clinical testing. Allele origin: germline.

Myriad Genetics, Inc.
Classification: Benign for Juvenile polyposis syndrome. Last evaluated: 2024-08-07. Review status: criteria provided, single submitter. Criteria: Myriad Autosomal Dominant, Autosomal Recessive and X-Linked Classification Criteria (2023). Collection method: clinical testing. Allele origin: unknown.
Comment: This variant is considered benign. This variant is a silent/synonymous amino acid change and it is not expected to impact splicing.

Labcorp Genetics (formerly Invitae), Labcorp
Classification: Likely benign for Juvenile polyposis syndrome. Last evaluated: 2024-06-02. Review status: criteria provided, single submitter. Criteria: Invitae Variant Classification Sherloc (09022015). Collection method: clinical testing. Allele origin: germline.

NM_004329.3(BMPR1A):c.1218C>A (p.Arg406=)

Gene: BMPR1A (bone morphogenetic protein receptor type 1A; plus strand). Cytogenetic location: 10q23.2.
Variant type: single nucleotide variant.
Coding change: c.1218C>A on transcript NM_004329.3 (MANE Select); coding-DNA position 1218, C replaced by A.
Protein change: p.Arg406=; no amino-acid change (arginine 406 retained).
Molecular consequence: synonymous variant. On other transcripts: non-coding transcript variant (3).
Genome position (GRCh38, 1-based): chr10:86,921,571, C>A. VCF-style: chr10-86921571-C-A. GRCh37 (hg19) VCF-style: chr10-88681328-C-A.
Other names: c.876C>A, p.Arg292= (NM_001406589.1); c.1293C>A, p.Arg431= (NM_001406559.1); c.1266C>A, p.Arg422= (NM_001406560.1); c.1218C>A, p.Arg406= (NM_001406561.1, NM_001406562.1, NM_001406563.1 and 19 more transcripts); c.1212C>A, p.Arg404= (NM_001406583.1); c.1134C>A, p.Arg378= (NM_001406584.1, NM_001406585.1, NM_001406586.1 and 2 more transcripts).
Identifiers: ClinVar variation 3378518 (VCV003378518.4).